The following is an entry in ClinVar:

NM_001022.4(RPS19):c.245G>A (p.Arg82His)

Genes: RPS19 (ribosomal protein S19; plus strand), RPS19-CD79A (RPS19-CD79A readthrough; plus strand). Cytogenetic location: 19q13.2.
Variant type: single nucleotide variant.
Coding change: c.245G>A on transcript NM_001022.4 (MANE Select); coding-DNA position 245, G replaced by A.
Protein change: p.Arg82His; replaces arginine 82 with histidine.
Molecular consequence: missense variant. On other transcripts: synonymous variant (1).
Genome position (GRCh38, 1-based): chr19:41,869,103, G>A. VCF-style: chr19-41869103-G-A. GRCh37 (hg19) VCF-style: chr19-42373173-G-A.
Other names: c.245G>A, p.Arg82His (NM_001321483.2, NM_001321484.2); c.258G>A, p.Thr86= (NM_001321485.2); short protein forms R82H.
Identifiers: ClinVar variation 1394204 (VCV001394204.9), dbSNP rs782814286, ClinGen allele CA9465355.

ClinVar aggregate classification (germline): Uncertain significance. Review status: criteria provided, multiple submitters, no conflicts (2 of 4 stars). 2 submissions from 2 submitters: Uncertain significance (2). Last evaluated 2024-01-10.

Conditions:
Diamond-Blackfan anemia. Also called: Blackfan Diamond syndrome; Aregenerative anemia chronic congenital; Red cell aplasia, pure hereditary; Congenital hypoplastic anemia; Aase syndrome. Identifiers: Orphanet 124, MedGen C1260899, MeSH D029503, MONDO:0015253, HP:0004810.
Diamond-Blackfan anemia 1 (DBA1). Also called: RPS19-Related Diamond-Blackfan Anemia; BLACKFAN-DIAMOND SYNDROME; ANEMIA, CONGENITAL HYPOPLASTIC, OF BLACKFAN AND DIAMOND; ANEMIA, CONGENITAL ERYTHROID HYPOPLASTIC; RED CELL APLASIA, PURE, HEREDITARY; AREGENERATIVE ANEMIA, CHRONIC CONGENITAL. Identifiers: Orphanet 124, MedGen C2676137, MONDO:0007110, OMIM 105650.

Allele frequency attached by ClinVar (database versions not stated): ExAC 0.00001; gnomAD exomes 0.00001.

Submissions (2):

Labcorp Genetics (formerly Invitae), Labcorp
Classification: Uncertain significance for Diamond-Blackfan anemia. Last evaluated: 2024-01-10. Review status: criteria provided, single submitter. Criteria: Invitae Variant Classification Sherloc (09022015). Collection method: clinical testing. Allele origin: germline.
Comment: This sequence change replaces arginine, which is basic and polar, with histidine, which is basic and polar, at codon 82 of the RPS19 protein (p.Arg82His). This variant is not present in population databases (gnomAD no frequency). This variant has not been reported in the literature in individuals affected with RPS19-related conditions. ClinVar contains an entry for this variant (Variation ID: 1394204). An algorithm developed to predict the effect of missense changes on protein structure and function (PolyPhen-2) suggests that this variant is likely to be tolerated. In summary, the available evidence is currently insufficient to determine the role of this variant in disease. Therefore, it has been classified as a Variant of Uncertain Significance.

Fulgent Genetics
Classification: Uncertain significance for Diamond-Blackfan anemia 1. Last evaluated: 2021-08-25. Review status: criteria provided, single submitter. Criteria: ACMG Guidelines, 2015. Collection method: clinical testing. Allele origin: unknown.